The following is an entry in ClinVar:

ClinVar aggregate classification (germline): Pathogenic (1 of 4 stars; one submission).

Conditions:
Primary hyperoxaluria type 3. Also called: PH III. Identifiers: Orphanet 416, Orphanet 93600, MedGen C3150878, MONDO:0013327, OMIM 613616. Disease mechanism: loss of function.

gnomAD v4.1: 1 of 1,614,072 alleles (0.000062%); no homozygotes.

Submission:

Clinical Biochemistry Laboratory, Health Services Laboratory
Classification: Pathogenic for Primary hyperoxaluria type 3. Last evaluated: 2023-10-27. Review status: criteria provided, single submitter. Criteria: ACMG Guidelines, 2015. Collection method: curation. Allele origin: germline.
Comment: ACMG:PVS1 PM2 PP3

NM_138413.4(HOGA1):c.940G>T (p.Glu314Ter)

Gene: HOGA1 (4-hydroxy-2-oxoglutarate aldolase 1; plus strand). Cytogenetic location: 10q24.2.
Variant type: single nucleotide variant.
Coding change: c.940G>T on transcript NM_138413.4 (MANE Select); coding-DNA position 940, G replaced by T.
Protein change: p.Glu314Ter; replaces glutamic acid 314 with a stop codon.
Molecular consequence: nonsense.
Genome position (GRCh38, 1-based): chr10:97,611,615, G>T. VCF-style: chr10-97611615-G-T. GRCh37 (hg19) VCF-style: chr10-99371372-G-T.
Other names: c.451G>T, p.Glu151Ter (NM_001134670.2); short protein forms E151*, E314*.
Identifiers: ClinVar variation 2664412 (VCV002664412.1), dbSNP rs769474578, ClinGen allele CA377983732.